The following is an entry in ClinVar:

NM_001458.5(FLNC):c.5262C>A (p.Tyr1754Ter)

Gene: FLNC (filamin C; plus strand). Cytogenetic location: 7q32.1.
Variant type: single nucleotide variant.
Coding change: c.5262C>A on transcript NM_001458.5 (MANE Select); coding-DNA position 5262, C replaced by A.
Protein change: p.Tyr1754Ter; replaces tyrosine 1754 with a stop codon.
Molecular consequence: nonsense. On other transcripts: intron variant (1).
Genome position (GRCh38, 1-based): chr7:128,850,038, C>A. VCF-style: chr7-128850038-C-A. GRCh37 (hg19) VCF-style: chr7-128490092-C-A.
Other names: c.5200-346C>A (NM_001127487.2); short protein forms Y1754*.
Identifiers: ClinVar variation 1746453 (VCV001746453.2), dbSNP rs369165766, ClinGen allele CA369204678.

ClinVar aggregate classification (germline): Uncertain significance (1 of 4 stars; one submission).

Conditions:
Cardiovascular phenotype. Identifiers: MedGen CN230736.

Submission:

Ambry Genetics
Classification: Uncertain significance for Cardiovascular phenotype. Last evaluated: 2020-10-27. Review status: criteria provided, single submitter. Criteria: Ambry Variant Classification Scheme 2023. Collection method: clinical testing. Allele origin: germline.
Comment: The p.Y1754* variant (also known as c.5262C>A), located in coding exon 31 of the FLNC gene, results from a C to A substitution at nucleotide position 5262. This changes the amino acid from a tyrosine to a stop codon within coding exon 31. This alteration is expected to result in loss of function by premature protein truncation or nonsense-mediated mRNA decay. However, pathogenicity has not been established for alterations in exon 31 of FLNC. The exon is alternatively spliced, and the predominant isoform expressed in healthy human cardiac tissue does not include exon 31 (Kong SW et al. Circ Cardiovas Genet. 2010 Apr;3(2):138-46). Since supporting evidence is limited at this time, the clinical significance of this alteration remains unclear.